The following is an entry in ClinVar:

ClinVar aggregate classification (germline): Conflicting classifications of pathogenicity. Review status: criteria provided, conflicting classifications (1 of 4 stars). 8 submissions from 8 submitters: Uncertain significance (6); Likely benign (2). Last evaluated 2026-01-18.

Conditions:
MET-related disorder. Also called: MET-related condition.
Renal cell carcinoma. Identifiers: Orphanet 217071, MedGen C0007134, MeSH D002292, MONDO:0005086, HP:0005584.
Hepatocellular carcinoma (HCC). Also called: Primary carcinoma of liver; HEPATOMA; LIVER CELL CARCINOMA. Identifiers: Orphanet 88673, MedGen C2239176, MONDO:0007256, OMIM 114550, HP:0001402.
Papillary renal cell carcinoma type 1 (RCCP1). Also called: RENAL CELL CARCINOMA, PAPILLARY, 1, SOMATIC; Renal adenocarcinoma; Renal cell carcinoma 1; Renal cell carcinoma, somatic. Identifiers: Orphanet 47044, MedGen C1336839, OMIM 605074, HP:0011797.
Autosomal recessive nonsyndromic hearing loss 97. Also called: Deafness, autosomal recessive 97. Identifiers: Orphanet 90636, MedGen C4084709, MONDO:0014739, OMIM 616705.
Osteofibrous dysplasia (OSFD). Also called: Tibia, bowing of, with pseudarthrosis and pectus excavatum. Identifiers: Orphanet 488265, MedGen C4085248, MONDO:0011806, OMIM 607278.
Hereditary cancer-predisposing syndrome. Also called: Tumor predisposition; Hereditary neoplastic syndrome; Neoplastic Syndromes, Hereditary; Hereditary Cancer Syndrome. Identifiers: Orphanet 140162, MedGen C0027672, MeSH D009386, MONDO:0015356.

Allele frequency attached by ClinVar (database versions not stated): ExAC 0.00002; gnomAD 0.00003 and 0.00004; TOPMed 0.00006; gnomAD exomes 0.00007 and 0.00018; ESP Exome Variant Server 0.00008.
gnomAD v4.1: 262 of 1,613,944 alleles (0.016%); highest among the groups gnomAD compares: Non-Finnish European, 0.021%; no homozygotes.

Submissions (8):

Labcorp Genetics (formerly Invitae), Labcorp
Classification: Uncertain significance for Renal cell carcinoma. Last evaluated: 2026-01-18. Review status: criteria provided, single submitter. Criteria: Invitae Variant Classification Sherloc (09022015). Collection method: clinical testing. Allele origin: germline.
Comment: This sequence change replaces alanine, which is neutral and non-polar, with threonine, which is neutral and polar, at codon 48 of the MET protein (p.Ala48Thr). This variant is present in population databases (rs374050750, gnomAD 0.01%). This variant has not been reported in the literature in individuals affected with MET-related conditions. ClinVar contains an entry for this variant (Variation ID: 454188). Invitae Evidence Modeling of protein sequence and biophysical properties (such as structural, functional, and spatial information, amino acid conservation, physicochemical variation, residue mobility, and thermodynamic stability) indicates that this missense variant is not expected to disrupt MET protein function with a negative predictive value of 80%. In summary, the available evidence is currently insufficient to determine the role of this variant in disease. Therefore, it has been classified as a Variant of Uncertain Significance.

PreventionGenetics, part of Exact Sciences
Classification: Uncertain significance for MET-related condition. Last evaluated: 2025-02-04. Review status: criteria provided, single submitter. Criteria: ACMG Guidelines, 2015. Collection method: clinical testing. Allele origin: germline.
Comment: The MET c.142G>A variant is predicted to result in the amino acid substitution p.Ala48Thr. To our knowledge, this variant has not been reported in the literature. This variant is reported in 0.012% of alleles in individuals of European (Non-Finnish) descent in gnomAD and is interpreted as a variant of uncertain significance by the vast majority of submitters in ClinVar. At this time, the clinical significance of this variant is uncertain due to the absence of conclusive functional and genetic evidence.

Myriad Genetics, Inc.
Classification: Likely benign for Papillary renal cell carcinoma type 1. Last evaluated: 2024-11-06. Review status: criteria provided, single submitter. Criteria: Myriad Autosomal Dominant, Autosomal Recessive and X-Linked Classification Criteria (2023). Collection method: clinical testing. Allele origin: unknown.
Comment: This variant is considered likely benign. This variant has been observed at a population frequency that is significantly greater than expected given the associated disease prevalence and penetrance.

GeneDx
Classification: Uncertain significance. Last evaluated: 2024-10-07. Review status: criteria provided, single submitter. Criteria: GeneDx Variant Classification Process June 2021. Collection method: clinical testing. Allele origin: germline. Affected: yes.
Comment: In silico analysis indicates that this missense variant does not alter protein structure/function; Has not been previously published as pathogenic or benign to our knowledge; This variant is associated with the following publications: (PMID: 22675565)

Quest Diagnostics Nichols Institute San Juan Capistrano
Classification: Uncertain significance. Last evaluated: 2023-12-07. Review status: criteria provided, single submitter. Criteria: Quest Diagnostics criteria. Collection method: clinical testing. Allele origin: unknown.

Baylor Genetics
Classification: Uncertain significance for Autosomal recessive nonsyndromic hearing loss 97. Last evaluated: 2023-10-22. Review status: criteria provided, single submitter. Criteria: ACMG Guidelines, 2015. Collection method: clinical testing. Allele origin: unknown.

Ambry Genetics
Classification: Likely benign for Hereditary cancer-predisposing syndrome. Last evaluated: 2023-07-06. Review status: criteria provided, single submitter. Criteria: Ambry Variant Classification Scheme 2023. Collection method: clinical testing. Allele origin: germline.

Fulgent Genetics
Classification: Uncertain significance for Hepatocellular carcinoma; Papillary renal cell carcinoma type 1; Osteofibrous dysplasia; Autosomal recessive nonsyndromic hearing loss 97. Last evaluated: 2018-10-31. Review status: criteria provided, single submitter. Criteria: ACMG Guidelines, 2015. Collection method: clinical testing. Allele origin: unknown.

NM_000245.4(MET):c.142G>A (p.Ala48Thr)

Gene: MET (MET proto-oncogene, receptor tyrosine kinase; plus strand). Cytogenetic location: 7q31.2.
Variant type: single nucleotide variant.
Coding change: c.142G>A on transcript NM_000245.4 (MANE Select); coding-DNA position 142, G replaced by A.
Protein change: p.Ala48Thr; replaces alanine 48 with threonine.
Molecular consequence: missense variant. On other transcripts: intron variant (1).
Genome position (GRCh38, 1-based): chr7:116,699,226, G>A. VCF-style: chr7-116699226-G-A. GRCh37 (hg19) VCF-style: chr7-116339280-G-A.
Other names: c.142G>A (NM_001127500.2); c.142G>A, p.Ala48Thr (NM_001127500.3, NM_001324401.3); c.-91+26649G>A (NM_001324402.2); short protein forms A48T.
Identifiers: ClinVar variation 454188 (VCV000454188.28), dbSNP rs374050750, ClinGen allele CA4447946.